The following is an entry in ClinVar:

NM_031220.4(PITPNM3):c.2117G>A (p.Arg706His)

Gene: PITPNM3 (PITPNM family member 3; minus strand). Cytogenetic location: 17p13.2.
Variant type: single nucleotide variant.
Coding change: c.2117G>A on transcript NM_031220.4 (MANE Select); coding-DNA position 2117, G replaced by A.
Protein change: p.Arg706His; replaces arginine 706 with histidine.
Molecular consequence: missense variant.
Genome position (GRCh38, 1-based): chr17:6,464,209, C>T on the plus strand (G>A on the coding strand, the complement: PITPNM3 is on the minus strand). VCF-style: chr17-6464209-C-T. GRCh37 (hg19) VCF-style: chr17-6367529-C-T.
Other names: c.2009G>A, p.Arg670His (NM_001165966.2); c.2117G>A (NM_031220.3); short protein forms R670H, R706H.
Identifiers: ClinVar variation 2418321 (VCV002418321.6), dbSNP rs751199521, ClinGen allele CA8329272.

ClinVar aggregate classification (germline): Uncertain significance. Review status: criteria provided, multiple submitters, no conflicts (2 of 4 stars). 2 submissions from 2 submitters: Uncertain significance (2). Last evaluated 2025-03-22.

Allele frequency attached by ClinVar (database versions not stated): gnomAD 0.00001; TOPMed 0.00002.
gnomAD v4.1: 30 of 1,614,074 alleles (0.0019%); highest among the groups gnomAD compares: East Asian, 0.0067%; no homozygotes.

Submissions (2):

Ambry Genetics
Classification: Uncertain significance. Last evaluated: 2025-03-22. Review status: criteria provided, single submitter. Criteria: Ambry Variant Classification Scheme 2023. Collection method: clinical testing. Allele origin: germline.

Labcorp Genetics (formerly Invitae), Labcorp
Classification: Uncertain significance. Last evaluated: 2022-04-11. Review status: criteria provided, single submitter. Criteria: Invitae Variant Classification Sherloc (09022015). Collection method: clinical testing. Allele origin: germline.
Comment: In summary, the available evidence is currently insufficient to determine the role of this variant in disease. Therefore, it has been classified as a Variant of Uncertain Significance. Algorithms developed to predict the effect of missense changes on protein structure and function are either unavailable or do not agree on the potential impact of this missense change (SIFT: "Deleterious"; PolyPhen-2: "Benign"; Align-GVGD: "Class C0"). This variant has not been reported in the literature in individuals affected with PITPNM3-related conditions. This variant is present in population databases (rs751199521, gnomAD 0.006%). This sequence change replaces arginine, which is basic and polar, with histidine, which is basic and polar, at codon 706 of the PITPNM3 protein (p.Arg706His).